The following is an entry in ClinVar:

ClinVar aggregate classification (germline): Pathogenic (1 of 4 stars; one submission).

Conditions:
Mosaic variegated aneuploidy syndrome 1 (MVA1). Also called: Warburton-Anyane-Yeboa syndrome. Identifiers: Orphanet 1052, MedGen C1850343, MONDO:0009759, OMIM 257300.

Submission:

Labcorp Genetics (formerly Invitae), Labcorp
Classification: Pathogenic for Mosaic variegated aneuploidy syndrome 1. Last evaluated: 2021-10-04. Review status: criteria provided, single submitter. Criteria: Invitae Variant Classification Sherloc (09022015). Collection method: clinical testing. Allele origin: germline.
Comment: For these reasons, this variant has been classified as Pathogenic. This variant has not been reported in the literature in individuals affected with BUB1B-related conditions. This variant is not present in population databases (ExAC no frequency). This sequence change creates a premature translational stop signal (p.Leu737*) in the BUB1B gene. It is expected to result in an absent or disrupted protein product. Loss-of-function variants in BUB1B are known to be pathogenic (PMID: 15475955, 21190457).

Literature cited by the submitters: PubMed 15475955; PubMed 21190457.

NM_001211.6(BUB1B):c.2210del (p.Glu736_Leu737insTer)

Gene: BUB1B (BUB1 mitotic checkpoint serine/threonine kinase B; plus strand). Cytogenetic location: 15q15.1.
Variant type: Deletion.
Coding change: c.2210del on transcript NM_001211.6 (MANE Select); coding-DNA position 2210, one base deleted (T; older notation c.2210delT).
Protein change: p.Glu736_Leu737insTer.
Molecular consequence: nonsense.
Genome position (GRCh38, 1-based): chr15:40,209,701, T deleted; the last of 2 consecutive T bases (chr15:40,209,700-40,209,701); deleting either gives the same sequence. VCF-style (leftmost placement, unchanged base first): chr15-40209699-GT-G. GRCh37 (hg19) VCF-style: chr15-40501900-GT-G.
Identifiers: ClinVar variation 1453887 (VCV001453887.6), dbSNP rs2140906206, ClinGen allele CA2573150685.